The following is an entry in ClinVar:

NM_178857.6(RP1L1):c.3832A>G (p.Arg1278Gly)

Gene: RP1L1 (RP1 like 1). Cytogenetic location: 8p23.1.
Variant type: single nucleotide variant.
Coding change: c.3832A>G on transcript NM_178857.6 (MANE Select); coding-DNA position 3832, A replaced by G.
Protein change: p.Arg1278Gly; replaces arginine 1278 with glycine.
Molecular consequence: missense variant.
Genome position (GRCh38, 1-based): chr8:10,610,266, T>C on the plus strand (A>G on the coding strand, the complement: RP1L1 is on the minus strand). VCF-style: chr8-10610266-T-C. GRCh37 (hg19) VCF-style: chr8-10467776-T-C.
Other names: short protein forms R1278G.
Identifiers: ClinVar variation 4980954 (VCV004980954.1).

ClinVar aggregate classification (germline): Uncertain significance (1 of 4 stars; one submission).

Conditions:
RP1L1-related disorder. Also called: RP1L1-related condition.

Submission:

PreventionGenetics, part of Exact Sciences
Classification: Uncertain significance for RP1L1-related condition. Last evaluated: 2025-07-28. Review status: criteria provided, single submitter. Criteria: ACMG Guidelines, 2015. Collection method: clinical testing. Allele origin: germline.
Comment: The RP1L1 c.3832A>G variant is predicted to result in the amino acid substitution p.Arg1278Gly. To our knowledge, this variant has not been reported in the literature. This variant is reported in 0.0065% of alleles in individuals of African descent in gnomAD. At this time, the clinical significance of this variant is uncertain due to the absence of conclusive functional and genetic evidence.